The following is an entry in ClinVar:

NM_022124.6(CDH23):c.1678A>G (p.Thr560Ala)

Gene: CDH23 (cadherin related 23; plus strand). Cytogenetic location: 10q22.1.
Variant type: single nucleotide variant.
Coding change: c.1678A>G on transcript NM_022124.6 (MANE Select); coding-DNA position 1678, A replaced by G.
Protein change: p.Thr560Ala; replaces threonine 560 with alanine.
Molecular consequence: missense variant.
Genome position (GRCh38, 1-based): chr10:71,677,619, A>G. VCF-style: chr10-71677619-A-G. GRCh37 (hg19) VCF-style: chr10-73437376-A-G.
Other names: c.1678A>G, p.Thr560Ala (NM_001171930.2, NM_001171931.2); short protein forms T560A.
Identifiers: ClinVar variation 930066 (VCV000930066.7), dbSNP rs767986806, ClinGen allele CA5543924.

ClinVar aggregate classification (germline): Uncertain significance. Review status: criteria provided, multiple submitters, no conflicts (2 of 4 stars). 3 submissions from 3 submitters: Uncertain significance (2). 1 of the submissions does not count toward it. Last evaluated 2021-09-24.

Conditions:
Usher syndrome type 1 (USH1). Also called: RETINITIS PIGMENTOSA AND CONGENITAL DEAFNESS. Identifiers: Orphanet 231169, Orphanet 886, MedGen C1568247, MONDO:0010168, OMIM 276900.

Allele frequency attached by ClinVar (database versions not stated): gnomAD 0.00001; gnomAD exomes 0.00001 and below 0.00001; TOPMed 0.00001; ExAC 0.00005.
gnomAD v4.1: 7 of 1,600,638 alleles (0.00044%); highest among the groups gnomAD compares: Non-Finnish European, 0.0006%; no homozygotes.

Submissions (3):

Labcorp Genetics (formerly Invitae), Labcorp
Classification: Uncertain significance. Last evaluated: 2021-09-24. Review status: criteria provided, single submitter. Criteria: Invitae Variant Classification Sherloc (09022015). Collection method: clinical testing. Allele origin: germline.
Comment: This sequence change replaces threonine with alanine at codon 560 of the CDH23 protein (p.Thr560Ala). The threonine residue is highly conserved and there is a small physicochemical difference between threonine and alanine. This variant is present in population databases (rs767986806, ExAC 0.009%). This variant has not been reported in the literature in individuals with CDH23-related conditions. ClinVar contains an entry for this variant (Variation ID: 930066). Algorithms developed to predict the effect of missense changes on protein structure and function are either unavailable or do not agree on the potential impact of this missense change (SIFT: "Deleterious"; PolyPhen-2: "Not Available"; Align-GVGD: "Class C0"). In summary, the available evidence is currently insufficient to determine the role of this variant in disease. Therefore, it has been classified as a Variant of Uncertain Significance.

Laboratory for Molecular Medicine, Mass General Brigham Personalized Medicine
Classification: Uncertain significance. Last evaluated: 2019-07-15. Review status: criteria provided, single submitter. Criteria: LMM Criteria. Collection method: clinical testing. Allele origin: germline. Observed: 1 variant allele.
Comment: The p.Thr560Ala variant in CDH23 has not been previously reported in individuals with hearing loss or Usher syndrome, but has been identified in 0.003% (3/101806) of European chromosomes by gnomAD. Computational prediction tools and conservation analyses do not provide strong support for or against an impact to the protein. In summary, the clinical significance of this variant is uncertain. ACMG/AMP Criteria applied: PM2.

Natera, Inc.
Classification: Uncertain significance for Usher syndrome type 1. Last evaluated: 2020-02-13. Review status: no assertion criteria provided. Collection method: clinical testing. Allele origin: germline. Not counted in ClinVar's aggregate classification.